The following is an entry in ClinVar:

NM_022051.3(EGLN1):c.430C>G (p.Pro144Ala)

Gene: EGLN1 (egl-9 family hypoxia inducible factor 1; minus strand). Cytogenetic location: 1q42.2.
Variant type: single nucleotide variant.
Coding change: c.430C>G on transcript NM_022051.3 (MANE Select); coding-DNA position 430, C replaced by G.
Protein change: p.Pro144Ala; replaces proline 144 with alanine.
Molecular consequence: missense variant.
Genome position (GRCh38, 1-based): chr1:231,421,459, G>C on the plus strand (C>G on the coding strand, the complement: EGLN1 is on the minus strand). VCF-style: chr1-231421459-G-C. GRCh37 (hg19) VCF-style: chr1-231557205-G-C.
Other names: c.430C>G (NM_022051.2); c.430C>G, p.Pro144Ala (NM_001377260.1, NM_001377261.1); short protein forms P144A.
Identifiers: ClinVar variation 2196779 (VCV002196779.5), dbSNP rs1280185729, ClinGen allele CA345237066.

ClinVar aggregate classification (germline): Uncertain significance. Review status: criteria provided, multiple submitters, no conflicts (2 of 4 stars). 2 submissions from 2 submitters: Uncertain significance (2). Last evaluated 2025-09-12.

Conditions:
Erythrocytosis, familial, 3 (ECYT3). Identifiers: Orphanet 247511, MedGen C1853286, MONDO:0012353, OMIM 609820.

Allele frequency attached by ClinVar (database versions not stated): TOPMed below 0.00001; gnomAD 0.00001.
gnomAD v4.1: 10 of 1,472,156 alleles (0.00068%); highest among the groups gnomAD compares: African/African-American, 0.0014%; no homozygotes.

Submissions (2):

Ambry Genetics
Classification: Uncertain significance. Last evaluated: 2025-09-12. Review status: criteria provided, single submitter. Criteria: Ambry Variant Classification Scheme 2023. Collection method: clinical testing. Allele origin: germline.
Comment: The p.P144A variant (also known as c.430C>G), located in coding exon 1 of the EGLN1 gene, results from a C to G substitution at nucleotide position 430. The proline at codon 144 is replaced by alanine, an amino acid with highly similar properties. This amino acid position is not well conserved in available vertebrate species. In addition, this alteration is predicted to be tolerated by in silico analysis. The evidence for this gene-disease relationship is limited; therefore, the clinical significance of this alteration is unclear.

Labcorp Genetics (formerly Invitae), Labcorp
Classification: Uncertain significance for Erythrocytosis, familial, 3. Last evaluated: 2023-09-30. Review status: criteria provided, single submitter. Criteria: Invitae Variant Classification Sherloc (09022015). Collection method: clinical testing. Allele origin: germline.
Comment: ClinVar contains an entry for this variant (Variation ID: 2196779). This variant has not been reported in the literature in individuals affected with EGLN1-related conditions. This variant is present in population databases (no rsID available, gnomAD 0.01%). This sequence change replaces proline, which is neutral and non-polar, with alanine, which is neutral and non-polar, at codon 144 of the EGLN1 protein (p.Pro144Ala). Algorithms developed to predict the effect of missense changes on protein structure and function output the following: SIFT: "Not Available"; PolyPhen-2: "Possibly Damaging"; Align-GVGD: "Not Available". The alanine amino acid residue is found in multiple mammalian species, which suggests that this missense change does not adversely affect protein function. In summary, the available evidence is currently insufficient to determine the role of this variant in disease. Therefore, it has been classified as a Variant of Uncertain Significance.